The following is an entry in ClinVar:

ClinVar aggregate classification (germline): Conflicting classifications of pathogenicity. Review status: criteria provided, conflicting classifications (1 of 4 stars). 7 submissions from 7 submitters: Uncertain significance (6); Likely benign (1). Last evaluated 2026-01-20.

Conditions:
POLD1-related polyposis and colorectal cancer syndrome (CRCS10). Also called: Colorectal cancer, susceptibility to, 10; Colorectal cancer 10; COLORECTAL CANCER, SUSCEPTIBILITY TO, ON CHROMOSOME 19q. Identifiers: Orphanet 220460, MedGen C2675481, MONDO:0012953, OMIM 612591.
Hereditary cancer-predisposing syndrome. Also called: Neoplastic Syndromes, Hereditary; Hereditary neoplastic syndrome; Hereditary Cancer Syndrome; Tumor predisposition. Identifiers: Orphanet 140162, MedGen C0027672, MeSH D009386, MONDO:0015356.
POLD1-related disorder. Also called: POLD1-related disorders; POLD1-related condition.

Allele frequency attached by ClinVar (database versions not stated): gnomAD exomes 0.00001; TOPMed 0.00002; gnomAD 0.00004 and 0.00005.
gnomAD v4.1: 21 of 1,613,794 alleles (0.0013%); highest among the groups gnomAD compares: African/African-American, 0.008%; no homozygotes.

Submissions (7):

PreventionGenetics, part of Exact Sciences
Classification: Uncertain significance for POLD1-related condition. Last evaluated: 2026-01-20. Review status: criteria provided, single submitter. Criteria: ACMG Guidelines, 2015. Collection method: clinical testing. Allele origin: germline.
Comment: The POLD1 c.1276G>A variant is predicted to result in the amino acid substitution p.Gly426Ser. This variant has been reported in individuals with multiple colorectal adenomas and/or familial colorectal cancer (Palles et al. 2012. PubMed ID: 23263490; Table A1, Chubb et al. 2015. PubMed ID: 25559809). Structural modeling of this variant showed that it is not likely to be involved in direct DNA binding and is predicted to have only a moderate functional impact (Palles et al. 2012. PubMed ID: 23263490). This variant is reported in 0.011% of alleles in individuals of African descent in gnomAD and has conflicting interpretations of pathogenicity in ClinVar of uncertain significance and likely benign (Variation ID: 408073). At this time, the clinical significance of this variant is uncertain due to the absence of conclusive functional and genetic evidence.

Labcorp Genetics (formerly Invitae), Labcorp
Classification: Uncertain significance for POLD1-related polyposis and colorectal cancer syndrome. Last evaluated: 2025-12-02. Review status: criteria provided, single submitter. Criteria: Invitae Variant Classification Sherloc (09022015). Collection method: clinical testing. Allele origin: germline.
Comment: This sequence change replaces glycine, which is neutral and non-polar, with serine, which is neutral and polar, at codon 426 of the POLD1 protein (p.Gly426Ser). This variant is present in population databases (no rsID available, gnomAD 0.01%). This missense change has been observed in individual(s) with colorectal cancer (PMID: 25559809). ClinVar contains an entry for this variant (Variation ID: 408073). Invitae Evidence Modeling of protein sequence and biophysical properties (such as structural, functional, and spatial information, amino acid conservation, physicochemical variation, residue mobility, and thermodynamic stability) indicates that this missense variant is not expected to disrupt POLD1 protein function with a negative predictive value of 80%. In summary, the available evidence is currently insufficient to determine the role of this variant in disease. Therefore, it has been classified as a Variant of Uncertain Significance.

Quest Diagnostics Nichols Institute San Juan Capistrano
Classification: Uncertain significance. Last evaluated: 2025-06-30. Review status: criteria provided, single submitter. Criteria: Quest Diagnostics criteria. Collection method: clinical testing. Allele origin: unknown.
Comment: The POLD1 c.1276G>A (p.Gly426Ser) variant has been reported in the published literature in individuals with colorectal cancer (PMIDs: 25559809 (2015), 23263490 (2013)). The frequency of this variant in the general population (Genome Aggregation Database) is uninformative in the assessment of its pathogenicity. Analysis of this variant using bioinformatics tools for the prediction of the effect of amino acid changes on protein structure and function yielded predictions that this variant is benign. Based on the available information, we are unable to determine the clinical significance of this variant.

Ambry Genetics
Classification: Likely benign for Hereditary cancer-predisposing syndrome. Last evaluated: 2025-03-06. Review status: criteria provided, single submitter. Criteria: Ambry Variant Classification Scheme 2023. Collection method: clinical testing. Allele origin: germline.

Baylor Genetics
Classification: Uncertain significance for POLD1-related polyposis and colorectal cancer syndrome. Last evaluated: 2024-02-07. Review status: criteria provided, single submitter. Criteria: ACMG Guidelines, 2015. Collection method: clinical testing. Allele origin: unknown.

GeneDx
Classification: Uncertain significance. Last evaluated: 2023-07-31. Review status: criteria provided, single submitter. Criteria: GeneDx Variant Classification Process June 2021. Collection method: clinical testing. Allele origin: germline. Affected: yes.
Comment: In silico analysis supports that this missense variant does not alter protein structure/function; Observed in individual(s) with colorectal adenomas and/or familial colorectal cancer (Palles et al., 2013; Chubb et al., 2015); This variant is associated with the following publications: (PMID: 25559809, 23263490, 20951805)

Neuberg Centre For Genomic Medicine, NCGM
Classification: Uncertain significance for POLD1-related polyposis and colorectal cancer syndrome. Review status: criteria provided, single submitter. Criteria: ACMG Guidelines, 2015. Collection method: clinical testing. Allele origin: germline. Inheritance: Autosomal dominant inheritance. Affected: yes.
Comment: The missense variant c.1276G>Ap.Gly426Ser in POLD1 gene has been reported in heterozygous state in individuals affected with POLD1 related carcinomas Palles et. al., 2013. The p.Gly426Ser variant is novel not in any individuals in gnomAD Exomes and 1000 Genomes. This variant has been reported to the ClinVar database as Uncertain Significance VUS. The amino acid change p.Gly426Ser in POLD1 is predicted as conserved by GERP++ and PhyloP across 100 vertebrates. The amino acid Gly at position 426 is changed to a Ser changing protein sequence and it might alter its composition and physico-chemical properties. For these reasons, this variant has been classified as Uncertain Significance VUS.

Literature cited by the submitters: PubMed 25559809 (cited by 3 submitters); PubMed 23263490 (cited by Quest Diagnostics Nichols Institute San Juan Capistrano and Ambry Genetics).

NM_002691.4(POLD1):c.1276G>A (p.Gly426Ser)

Gene: POLD1 (DNA polymerase delta 1, catalytic subunit; plus strand). Cytogenetic location: 19q13.33.
Variant type: single nucleotide variant.
Coding change: c.1276G>A on transcript NM_002691.4 (MANE Select); coding-DNA position 1276, G replaced by A.
Protein change: p.Gly426Ser; replaces glycine 426 with serine.
Molecular consequence: missense variant. On other transcripts: non-coding transcript variant (1).
Genome position (GRCh38, 1-based): chr19:50,406,215, G>A. VCF-style: chr19-50406215-G-A. GRCh37 (hg19) VCF-style: chr19-50909472-G-A.
Other names: c.1276G>A, p.Gly426Ser (NM_001256849.1, NM_001308632.1); short protein forms G426S.
Identifiers: ClinVar variation 408073 (VCV000408073.22), dbSNP rs1060501840, ClinGen allele CA16616132.
Genomic context (GRCh38, chr19:50,406,215, plus strand): 5'-GCTGCACACCCTGCCTCTCCTCCTCAGGTACAAACATTCCCTTTCCTGGGCCGTGTGGCC[G>A]GCCTTTGCTCCAACATCCGGGACTCTTCATTCCAGTCCAAGCAGACGGGCCGGCGGGACA-3'
Protein context (NP_002682.2, residues 416-436): QTFPFLGRVA[Gly426Ser]LCSNIRDSSF